The following is an entry in ClinVar:

ClinVar aggregate classification (germline): Pathogenic/Likely pathogenic. Review status: criteria provided, multiple submitters, no conflicts (2 of 4 stars). 3 submissions from 3 submitters: Pathogenic (1); Likely pathogenic (1). 1 of the submissions does not count toward it. Last evaluated 2024-02-20.

Conditions:
Cone dystrophy. Identifiers: Orphanet 1871, MedGen C0730290, MONDO:0000455.
CNGA3-related disorders.

Allele frequency attached by ClinVar (database versions not stated): ExAC 0.00001; gnomAD 0.00001; gnomAD exomes 0.00001 and 0.00002.
gnomAD v4.1: 19 of 1,613,846 alleles (0.0012%); highest among the groups gnomAD compares: East Asian, 0.0022%; no homozygotes.

Submissions (3):

Labcorp Genetics (formerly Invitae), Labcorp
Classification: Pathogenic. Last evaluated: 2024-02-20. Review status: criteria provided, single submitter. Criteria: Invitae Variant Classification Sherloc (09022015). Collection method: clinical testing. Allele origin: germline.
Comment: This sequence change replaces alanine, which is neutral and non-polar, with threonine, which is neutral and polar, at codon 469 of the CNGA3 protein (p.Ala469Thr). This variant is present in population databases (rs117522010, gnomAD 0.02%). This missense change has been observed in individual(s) with achromatopsia and/or retinal dystrophy (PMID: 18521937, 28041643). In at least one individual the data is consistent with being in trans (on the opposite chromosome) from a pathogenic variant. ClinVar contains an entry for this variant (Variation ID: 438156). Advanced modeling of protein sequence and biophysical properties (such as structural, functional, and spatial information, amino acid conservation, physicochemical variation, residue mobility, and thermodynamic stability) performed at Invitae indicates that this missense variant is expected to disrupt CNGA3 protein function with a positive predictive value of 95%. Experimental studies have shown that this missense change affects CNGA3 function (PMID: 18521937). For these reasons, this variant has been classified as Pathogenic.

Blueprint Genetics
Classification: Likely pathogenic for CNGA3-related disorders. Last evaluated: 2019-01-16. Review status: criteria provided, single submitter. Criteria: ACMG Guidelines, 2015. Collection method: clinical testing. Allele origin: germline. Affected: yes. Observed: 1 variant allele.

NIHR Bioresource Rare Diseases, University of Cambridge
Classification: Likely pathogenic for Cone-rod dystrophy. Last evaluated: 2015-01-01. Review status: no assertion criteria provided. Collection method: research. Allele origin: unknown. Affected: yes. Observed: 1 variant allele. Not counted in ClinVar's aggregate classification.

Literature cited by the submitters: PubMed 18521937 (cited by Labcorp Genetics (formerly Invitae), Labcorp and NIHR Bioresource Rare Diseases, University of Cambridge); PubMed 28041643 (cited by Labcorp Genetics (formerly Invitae), Labcorp and NIHR Bioresource Rare Diseases, University of Cambridge).

NM_001298.3(CNGA3):c.1405G>A (p.Ala469Thr)

Gene: CNGA3 (cyclic nucleotide gated channel subunit alpha 3; plus strand). Cytogenetic location: 2q11.2.
Variant type: single nucleotide variant.
Coding change: c.1405G>A on transcript NM_001298.3 (MANE Select); coding-DNA position 1405, G replaced by A.
Protein change: p.Ala469Thr; replaces alanine 469 with threonine.
Molecular consequence: missense variant.
Genome position (GRCh38, 1-based): chr2:98,396,575, G>A. VCF-style: chr2-98396575-G-A. GRCh37 (hg19) VCF-style: chr2-99013038-G-A.
Other names: c.1351G>A, p.Ala451Thr (NM_001079878.2); short protein forms A469T, A451T.
Identifiers: ClinVar variation 438156 (VCV000438156.11), dbSNP rs117522010, ClinGen allele CA1794000.
Genomic context (GRCh38, chr2:98,396,575, plus strand): 5'-AAGACGGTGGATGAGAAGGAGGTGCTCAAGAGCCTCCCAGACAAGCTGAAGGCTGAGATC[G>A]CCATCAACGTGCACCTGGACACGCTGAAGAAGGTTCGCATCTTCCAGGACTGTGAGGCAG-3'
Protein context (NP_001289.1, residues 459-479): SLPDKLKAEI[Ala469Thr]INVHLDTLKK